The following is an entry in ClinVar:

NM_175914.5(HNF4A):c.1270T>C (p.Tyr424His)

Gene: HNF4A (hepatocyte nuclear factor 4 alpha; plus strand). Cytogenetic location: 20q13.12.
Variant type: single nucleotide variant.
Coding change: c.1270T>C on transcript NM_175914.5 (MANE Select); coding-DNA position 1270, T replaced by C.
Protein change: p.Tyr424His; replaces tyrosine 424 with histidine.
Molecular consequence: missense variant.
Genome position (GRCh38, 1-based): chr20:44,429,576, T>C. VCF-style: chr20-44429576-T-C. GRCh37 (hg19) VCF-style: chr20-43058216-T-C.
Other names: c.1336T>C, p.Tyr446His (NM_000457.6); c.1240T>C, p.Tyr414His (NM_001030003.3); c.1315T>C, p.Tyr439His (NM_001258355.2); c.1231T>C, p.Tyr411His (NM_001287182.2); c.1261T>C, p.Tyr421His (NM_001287183.2); c.1306T>C, p.Tyr436His (NM_178849.3); short protein forms Y411H, Y414H, Y421H, Y424H, Y436H, Y439H, Y446H.
Identifiers: ClinVar variation 1337790 (VCV001337790.4), dbSNP rs1025249006, ClinGen allele CA409110397.

ClinVar aggregate classification (germline): Uncertain significance. Review status: reviewed by expert panel (3 of 4 stars). 2 submissions from 2 submitters: Uncertain significance (1). 1 of the submissions does not count toward it. Last evaluated 2025-11-21.

Conditions:
Monogenic diabetes. Identifiers: Orphanet 183625, MedGen C3888631, MONDO:0015967.

gnomAD v4.1: 2 of 1,613,976 alleles (0.00012%); highest among the groups gnomAD compares: Admixed American, 0.0017%; no homozygotes.

Submissions (2):

ClinGen Monogenic Diabetes Variant Curation Expert Panel
Classification: Uncertain significance for Monogenic diabetes. Last evaluated: 2025-11-21. Review status: reviewed by expert panel. Criteria: ClinGen Diabetes ACMG Specifications HNF4A V4.0.0. Collection method: curation. Allele origin: germline. Inheritance: Autosomal dominant inheritance.
Comment: The c.1270T>C variant in the hepatocyte nuclear factor 4-alpha gene, HNF4A, causes an amino acid change of tyrosine to histidine at codon 424 (p.(Tyr424His)) of NM_175914.5. This variant has an incomputable gnomAD v4.1.0 Grpmax filtering allele frequency due to only a single copy in any one subpopulation, thereby meeting the ClinGen MDEP threshold criteria for PM2_Supporting (Grpmax FAF <= 0.000003) (PM2_Supporting). In summary, c.1270T>C meets the criteria to be classified as a variant of uncertain significance for monogenic diabetes. ACMG/AMP criteria applied, as specified by the ClinGen MDEP (specification version 4.0.0, approved 10/10/2025): PP4_Moderate, PM2_Supporting.

Genetic Services Laboratory, University of Chicago
Classification: Uncertain significance. Last evaluated: 2020-12-07. Review status: criteria provided, single submitter. Criteria: ACMG Guidelines, 2015. Collection method: clinical testing. Allele origin: germline. Affected: no. Not counted in ClinVar's aggregate classification.
Comment: This sequence change does not appear to have been previously described in patients with HNF4A-related disorders and has also not been described in the large population databases such as ExAC and gnomAD. The p.Tyr424His change affects a moderately conserved amino acid residue located in a domain of the HNF4A protein that is not known to be functional. In-silico pathogenicity prediction tools (SIFT, PolyPhen2, Align GVGD, REVEL) provide contradictory results for the p.Tyr424His substitution. Due to these contrasting evidences and the lack of functional studies, the clinical significance of the p.Tyr424His change remains unknown at this time.